The following is an entry in ClinVar:

NM_002579.3(PALM):c.710A>T (p.His237Leu)

Gene: PALM (paralemmin; plus strand). Cytogenetic location: 19p13.3.
Variant type: single nucleotide variant.
Coding change: c.710A>T on transcript NM_002579.3 (MANE Select); coding-DNA position 710, A replaced by T.
Protein change: p.His237Leu; replaces histidine 237 with leucine.
Molecular consequence: missense variant.
Genome position (GRCh38, 1-based): chr19:746,360, A>T. VCF-style: chr19-746360-A-T. GRCh37 (hg19) VCF-style: chr19-746360-A-T.
Other names: c.578A>T, p.His193Leu (NM_001040134.2); short protein forms H237L, H193L.
Identifiers: ClinVar variation 2185003 (VCV002185003.4), dbSNP rs780616453, ClinGen allele CA9022750.
Genomic context (GRCh38, chr19:746,360, plus strand): 5'-ACGGCACCGCCGAGAACGGGATCCACCCCCTGAGCTCCTCCGAGGTGGACGAACTCATCC[A>T]CAAAGCGGACGAGGTCACGCTGAGCGAGGCAGGGTCCACGGCCGGGGCGGCAGAGACCCG-3'
Protein context (NP_002570.2, residues 227-247): LSSSEVDELI[His237Leu]KADEVTLSEA

ClinVar aggregate classification (germline): Uncertain significance (1 of 4 stars; one submission).

Allele frequency attached by ClinVar (database versions not stated): gnomAD exomes below 0.00001; ExAC 0.00001; TOPMed 0.00003.
gnomAD v4.1: 1 of 1,613,314 alleles (0.000062%); highest among the groups gnomAD compares: Admixed American, 0.0017%; no homozygotes.

Submission:

Labcorp Genetics (formerly Invitae), Labcorp
Classification: Uncertain significance. Last evaluated: 2022-06-23. Review status: criteria provided, single submitter. Criteria: Invitae Variant Classification Sherloc (09022015). Collection method: clinical testing. Allele origin: germline.
Comment: This variant has not been reported in the literature in individuals affected with PALM-related conditions. Algorithms developed to predict the effect of missense changes on protein structure and function are either unavailable or do not agree on the potential impact of this missense change (SIFT: "Deleterious"; PolyPhen-2: "Probably Damaging"; Align-GVGD: "Class C0"). In summary, the available evidence is currently insufficient to determine the role of this variant in disease. Therefore, it has been classified as a Variant of Uncertain Significance. This sequence change replaces histidine, which is basic and polar, with leucine, which is neutral and non-polar, at codon 237 of the PALM protein (p.His237Leu). This variant is not present in population databases (gnomAD no frequency).